The following is an entry in ClinVar:

ClinVar aggregate classification (germline): Uncertain significance (1 of 4 stars; one submission).

Submission:

Labcorp Genetics (formerly Invitae), Labcorp
Classification: Uncertain significance. Last evaluated: 2019-05-06. Review status: criteria provided, single submitter. Criteria: Invitae Variant Classification Sherloc (09022015). Collection method: clinical testing. Allele origin: germline.
Comment: In summary, the available evidence is currently insufficient to determine the role of this variant in disease. Therefore, it has been classified as a Variant of Uncertain Significance. Algorithms developed to predict the effect of missense changes on protein structure and function are either unavailable or do not agree on the potential impact of this missense change (SIFT: "Deleterious"; PolyPhen-2: "Probably Damaging"; Align-GVGD: "Class C15"). This variant has not been reported in the literature in individuals with MSH3-related conditions. This variant is not present in population databases (ExAC no frequency). This sequence change replaces phenylalanine with tyrosine at codon 405 of the MSH3 protein (p.Phe405Tyr). The phenylalanine residue is highly conserved and there is a small physicochemical difference between phenylalanine and tyrosine.

NM_002439.5(MSH3):c.1214T>A (p.Phe405Tyr)

Gene: MSH3 (mutS homolog 3; plus strand). Cytogenetic location: 5q14.1.
Variant type: single nucleotide variant.
Coding change: c.1214T>A on transcript NM_002439.5 (MANE Select); coding-DNA position 1214, T replaced by A.
Protein change: p.Phe405Tyr; replaces phenylalanine 405 with tyrosine.
Molecular consequence: missense variant.
Genome position (GRCh38, 1-based): chr5:80,678,967, T>A. VCF-style: chr5-80678967-T-A. GRCh37 (hg19) VCF-style: chr5-79974786-T-A.
Other names: short protein forms F405Y.
Identifiers: ClinVar variation 952718 (VCV000952718.9), dbSNP rs1749903265, ClinGen allele CA360268898.